The following is an entry in ClinVar:

NM_000094.4(COL7A1):c.8542G>A (p.Glu2848Lys)

Gene: COL7A1 (collagen type VII alpha 1 chain; minus strand). Cytogenetic location: 3p21.31.
Variant type: single nucleotide variant.
Coding change: c.8542G>A on transcript NM_000094.4 (MANE Select); coding-DNA position 8542, G replaced by A.
Protein change: p.Glu2848Lys; replaces glutamic acid 2848 with lysine.
Molecular consequence: missense variant.
Genome position (GRCh38, 1-based): chr3:48,565,187, C>T on the plus strand (G>A on the coding strand, the complement: COL7A1 is on the minus strand). VCF-style: chr3-48565187-C-T. GRCh37 (hg19) VCF-style: chr3-48602620-C-T.
Other names: short protein forms E2848K.
Identifiers: ClinVar variation 1422271 (VCV001422271.8), dbSNP rs2107626662, ClinGen allele CA352634350.

ClinVar aggregate classification (germline): Uncertain significance (1 of 4 stars; one submission).

Submission:

Labcorp Genetics (formerly Invitae), Labcorp
Classification: Uncertain significance. Last evaluated: 2023-10-13. Review status: criteria provided, single submitter. Criteria: Invitae Variant Classification Sherloc (09022015). Collection method: clinical testing. Allele origin: germline.
Comment: This sequence change replaces glutamic acid, which is acidic and polar, with lysine, which is basic and polar, at codon 2848 of the COL7A1 protein (p.Glu2848Lys). This variant is not present in population databases (gnomAD no frequency). This variant has not been reported in the literature in individuals affected with COL7A1-related conditions. ClinVar contains an entry for this variant (Variation ID: 1422271). Advanced modeling of protein sequence and biophysical properties (such as structural, functional, and spatial information, amino acid conservation, physicochemical variation, residue mobility, and thermodynamic stability) performed at Invitae indicates that this missense variant is not expected to disrupt COL7A1 protein function. In summary, the available evidence is currently insufficient to determine the role of this variant in disease. Therefore, it has been classified as a Variant of Uncertain Significance.